The following is an entry in ClinVar:

ClinVar aggregate classification (germline): Benign/Likely benign. Review status: criteria provided, multiple submitters, no conflicts (2 of 4 stars). 3 submissions from 3 submitters: Benign (1); Likely benign (2). Last evaluated 2024-03-27.

Conditions:
Hereditary cancer-predisposing syndrome. Also called: Hereditary Cancer Syndrome; Neoplastic Syndromes, Hereditary; Tumor predisposition; Hereditary neoplastic syndrome. Identifiers: Orphanet 140162, MedGen C0027672, MeSH D009386, MONDO:0015356.
Familial adenomatous polyposis 1 (FAP1). Also called: FAMILIAL ADENOMATOUS POLYPOSIS 1, ATTENUATED; POLYPOSIS, ADENOMATOUS INTESTINAL. Identifiers: MedGen C2713442, MONDO:0021056, OMIM 175100. Disease mechanism: loss of function.

Submissions (3):

Myriad Genetics, Inc.
Classification: Benign for Familial adenomatous polyposis 1. Last evaluated: 2024-03-27. Review status: criteria provided, single submitter. Criteria: Myriad Autosomal Dominant, Autosomal Recessive and X-Linked Classification Criteria (2023). Collection method: clinical testing. Allele origin: unknown.
Comment: This variant is considered benign. This variant is a silent/synonymous amino acid change and it is not expected to impact splicing.

Labcorp Genetics (formerly Invitae), Labcorp
Classification: Likely benign for Familial adenomatous polyposis 1. Last evaluated: 2021-08-12. Review status: criteria provided, single submitter. Criteria: Invitae Variant Classification Sherloc (09022015). Collection method: clinical testing. Allele origin: germline.

Ambry Genetics
Classification: Likely benign for Hereditary cancer-predisposing syndrome. Last evaluated: 2021-05-25. Review status: criteria provided, single submitter. Criteria: Ambry Variant Classification Scheme 2023. Collection method: clinical testing. Allele origin: germline.

NM_000038.6(APC):c.4617A>C (p.Ser1539=)

Gene: APC (APC regulator of Wnt signaling pathway; plus strand). Cytogenetic location: 5q22.2.
Variant type: single nucleotide variant.
Coding change: c.4617A>C on transcript NM_000038.6 (MANE Select); coding-DNA position 4617, A replaced by C.
Protein change: p.Ser1539=; no amino-acid change (serine 1539 retained).
Molecular consequence: synonymous variant.
Genome position (GRCh38, 1-based): chr5:112,840,211, A>C. VCF-style: chr5-112840211-A-C. GRCh37 (hg19) VCF-style: chr5-112175908-A-C.
Other names: c.4617A>C, p.Ser1539= (NM_001127510.3, NM_001354895.2); c.4563A>C, p.Ser1521= (NM_001127511.3); c.4671A>C, p.Ser1557= (NM_001354896.2); c.4647A>C, p.Ser1549= (NM_001354897.2); c.4542A>C, p.Ser1514= (NM_001354898.2); c.4533A>C, p.Ser1511= (NM_001354899.2); c.4494A>C, p.Ser1498= (NM_001354900.2); c.4440A>C, p.Ser1480= (NM_001354901.2); and 5 more.
Identifiers: ClinVar variation 1637995 (VCV001637995.10), dbSNP rs1554086014, ClinGen allele CA446206626.